The following is an entry in ClinVar:

NC_000012.11:g.(?_98993713)_(98993925_?)del

Gene: SLC25A3 (solute carrier family 25 member 3; plus strand). Cytogenetic location: 12q23.1.
Variant type: Deletion.
Identifiers: ClinVar variation 3244390 (VCV003244390.1).

ClinVar aggregate classification (germline): Pathogenic (1 of 4 stars; one submission).

Submission:

Labcorp Genetics (formerly Invitae), Labcorp
Classification: Pathogenic. Last evaluated: 2023-09-04. Review status: criteria provided, single submitter. Criteria: Invitae Variant Classification Sherloc (09022015). Collection method: clinical testing. Allele origin: unknown.
Comment: This variant is a gross deletion of the genomic region encompassing exon(s) 6 of the SLC25A3 gene. This deletion is out-of-frame, and is expected to create a premature termination codon and result in an absent or disrupted protein product. Loss-of-function variants in SLC25A3 are known to be pathogenic (PMID: 17273968, 21763135). This variant has not been reported in the literature in individuals affected with SLC25A3-related conditions. For these reasons, this variant has been classified as Pathogenic.

Literature cited by the submitters: PubMed 17273968; PubMed 21763135.